The following is an entry in ClinVar:

NM_000179.3(MSH6):c.3349T>G (p.Cys1117Gly)

Gene: MSH6 (mutS homolog 6; plus strand). Cytogenetic location: 2p16.3.
Variant type: single nucleotide variant.
Coding change: c.3349T>G on transcript NM_000179.3 (MANE Select); coding-DNA position 3349, T replaced by G.
Protein change: p.Cys1117Gly; replaces cysteine 1117 with glycine.
Molecular consequence: missense variant.
Genome position (GRCh38, 1-based): chr2:47,803,596, T>G. VCF-style: chr2-47803596-T-G. GRCh37 (hg19) VCF-style: chr2-48030735-T-G.
Other names: c.2959T>G, p.Cys987Gly (NM_001281492.2); c.2443T>G, p.Cys815Gly (NM_001281493.2, NM_001281494.2, NM_001406811.1 and 6 more transcripts); c.3445T>G, p.Cys1149Gly (NM_001406795.1, NM_001406802.1); c.3349T>G, p.Cys1117Gly (NM_001406796.1, NM_001406800.1, NM_001406808.1 and 1 more transcripts); c.3052T>G, p.Cys1018Gly (NM_001406797.1, NM_001406801.1, NM_001406805.1 and 10 more transcripts); c.3175T>G, p.Cys1059Gly (NM_001406798.1); c.2824T>G, p.Cys942Gly (NM_001406799.1, NM_001406806.1, NM_001406807.1); c.2485T>G, p.Cys829Gly (NM_001406803.1); and 7 more; short protein forms C1018G, C1059G, C1091G, C1119G, C1149G, C44G, C66G, C942G.
Identifiers: ClinVar variation 1730489 (VCV001730489.2), dbSNP rs786202829, ClinGen allele CA346758754.

ClinVar aggregate classification (germline): Uncertain significance (1 of 4 stars; one submission).

Conditions:
Hereditary cancer-predisposing syndrome. Also called: Neoplastic Syndromes, Hereditary; Tumor predisposition; Hereditary Cancer Syndrome; Hereditary neoplastic syndrome. Identifiers: Orphanet 140162, MedGen C0027672, MeSH D009386, MONDO:0015356.

Submission:

Ambry Genetics
Classification: Uncertain significance for Hereditary cancer-predisposing syndrome. Last evaluated: 2019-05-16. Review status: criteria provided, single submitter. Criteria: Ambry Variant Classification Scheme 2023. Collection method: clinical testing. Allele origin: germline.
Comment: The p.C1117G variant (also known as c.3349T>G), located in coding exon 5 of the MSH6 gene, results from a T to G substitution at nucleotide position 3349. The cysteine at codon 1117 is replaced by glycine, an amino acid with highly dissimilar properties. This amino acid position is well conserved in available vertebrate species. In addition, the in silico prediction for this alteration is inconclusive. In addition, the CoDP in silico tool predicts this alteration to have minor impact on molecular function, with a score of 0.002 (Terui H et al. J. Biomed. Sci. 2013 Apr;20:25). Since supporting evidence is limited at this time, the clinical significance of this alteration remains unclear.